The following is an entry in ClinVar:

ClinVar aggregate classification (germline): Pathogenic (1 of 4 stars; one submission).

Submission:

Labcorp Genetics (formerly Invitae), Labcorp
Classification: Pathogenic. Last evaluated: 2022-05-27. Review status: criteria provided, single submitter. Criteria: Invitae Variant Classification Sherloc (09022015). Collection method: clinical testing. Allele origin: germline.
Comment: This variant is not present in population databases (gnomAD no frequency). This sequence change affects a donor splice site in intron 9 of the PAFAH1B1 gene. It is expected to disrupt RNA splicing. Variants that disrupt the donor or acceptor splice site typically lead to a loss of protein function (PMID: 16199547), and loss-of-function variants in PAFAH1B1 are known to be pathogenic (PMID: 1671808, 11115846, 14581661). Disruption of this splice site has been observed in individuals with lissencephaly (PMID: 11115846, 19667223). Algorithms developed to predict the effect of sequence changes on RNA splicing suggest that this variant may disrupt the consensus splice site. For these reasons, this variant has been classified as Pathogenic.

Literature cited by the submitters: PubMed 16199547; PubMed 1671808; PubMed 11115846; PubMed 14581661; PubMed 19667223.

NM_000430.4(PAFAH1B1):c.1002+1G>C

Gene: PAFAH1B1 (platelet activating factor acetylhydrolase 1b regulatory subunit 1; plus strand). Cytogenetic location: 17p13.3.
Variant type: single nucleotide variant.
Coding change: c.1002+1G>C on transcript NM_000430.4 (MANE Select); the canonical splice donor site of the intron after coding-DNA position 1002, G replaced by C.
Molecular consequence: splice donor variant.
Genome position (GRCh38, 1-based): chr17:2,676,607, G>C. VCF-style: chr17-2676607-G-C. GRCh37 (hg19) VCF-style: chr17-2579901-G-C.
Identifiers: ClinVar variation 1999290 (VCV001999290.4), dbSNP rs113994203, ClinGen allele CA397642351.